The following is an entry in ClinVar:

ClinVar aggregate classification (germline): Uncertain significance (1 of 4 stars; one submission).

Submission:

Labcorp Genetics (formerly Invitae), Labcorp
Classification: Uncertain significance. Last evaluated: 2025-06-24. Review status: criteria provided, single submitter. Criteria: Invitae Variant Classification Sherloc (09022015). Collection method: clinical testing. Allele origin: germline.
Comment: This sequence change replaces proline, which is neutral and non-polar, with leucine, which is neutral and non-polar, at codon 689 of the REST protein (p.Pro689Leu). This variant is not present in population databases (gnomAD no frequency). This variant has not been reported in the literature in individuals affected with REST-related conditions. An algorithm developed to predict the effect of missense changes on protein structure and function (PolyPhen-2) suggests that this variant is likely to be tolerated. In summary, the available evidence is currently insufficient to determine the role of this variant in disease. Therefore, it has been classified as a Variant of Uncertain Significance.

NM_005612.5(REST):c.2066C>T (p.Pro689Leu)

Gene: REST (RE1 silencing transcription factor; plus strand). Cytogenetic location: 4q12.
Variant type: single nucleotide variant.
Coding change: c.2066C>T on transcript NM_005612.5 (MANE Select); coding-DNA position 2066, C replaced by T.
Protein change: p.Pro689Leu; replaces proline 689 with leucine.
Molecular consequence: missense variant.
Genome position (GRCh38, 1-based): chr4:56,930,924, C>T. VCF-style: chr4-56930924-C-T. GRCh37 (hg19) VCF-style: chr4-57797090-C-T.
Other names: c.2066C>T, p.Pro689Leu (NM_001193508.2, NM_001363453.3); c.1982C>T, p.Pro661Leu (NM_001440532.1, NM_001440533.1); short protein forms P689L, P661L.
Identifiers: ClinVar variation 4714944 (VCV004714944.1).